The following is an entry in ClinVar:

NM_014516.4(CNOT3):c.2204G>T (p.Arg735Leu)

Genes: LENG1 (leukocyte receptor cluster member 1; minus strand), CNOT3 (CCR4-NOT transcription complex subunit 3; plus strand). Cytogenetic location: 19q13.42.
Variant type: single nucleotide variant.
Coding change: c.2204G>T on transcript NM_014516.4 (MANE Select); coding-DNA position 2204, G replaced by T.
Protein change: p.Arg735Leu; replaces arginine 735 with leucine.
Molecular consequence: missense variant. On other transcripts: 3 prime UTR variant (1).
Genome position (GRCh38, 1-based): chr19:54,155,349, G>T. VCF-style: chr19-54155349-G-T. GRCh37 (hg19) VCF-style: chr19-54659087-G-T.
Other names: c.*372C>A (NM_024316.3); short protein forms R735L.
Identifiers: ClinVar variation 3387818 (VCV003387818.1).

ClinVar aggregate classification (germline): Likely pathogenic (1 of 4 stars; one submission).

Conditions:
Intellectual developmental disorder with speech delay, autism, and dysmorphic facies. Identifiers: MedGen C5231456, MONDO:0032864, OMIM 618672.

Submission:

Cytogenetique et Genetique Moleculaire, CHU Besancon
Classification: Likely pathogenic for Intellectual developmental disorder with speech delay, autism, and dysmorphic facies. Last evaluated: 2023-08-13. Review status: criteria provided, single submitter. Criteria: ACMG Guidelines, 2015. Collection method: clinical testing. Allele origin: germline. Affected: yes.
Comment: The NM_014516.4:c.2204G>T variant is a missense variant in a gene with low rate of benign missense mutations and for which missense mutation is a common mechanism of a disease (Missense Z-score =3,78) (PP2). In summary, this variant meets criteria to be classified as likely pathogenic for CNOT3-related neurodevelopmental disorders based on the ACMG/AMP criteria applied (PS2 PM2 PP2).